The following is an entry in ClinVar:

ClinVar aggregate classification (germline): Uncertain significance (1 of 4 stars; one submission).

Submission:

Labcorp Genetics (formerly Invitae), Labcorp
Classification: Uncertain significance. Last evaluated: 2022-06-08. Review status: criteria provided, single submitter. Criteria: Invitae Variant Classification Sherloc (09022015). Collection method: clinical testing. Allele origin: germline.
Comment: In summary, the available evidence is currently insufficient to determine the role of this variant in disease. Therefore, it has been classified as a Variant of Uncertain Significance. This variant has not been reported in the literature in individuals affected with SAMD11-related conditions. This variant is not present in population databases (gnomAD no frequency). This sequence change creates a premature translational stop signal (p.Arg394Alafs*7) in the SAMD11 gene. It is expected to result in an absent or disrupted protein product. However, the current clinical and genetic evidence is not sufficient to establish whether loss-of-function variants in SAMD11 cause disease.

NM_001385641.1(SAMD11):c.1668del (p.Arg557fs)

Gene: SAMD11 (sterile alpha motif domain containing 11; plus strand). Cytogenetic location: 1p36.33.
Variant type: Deletion.
Coding change: c.1668del on transcript NM_001385641.1 (MANE Select); coding-DNA position 1668, one base deleted (G; older notation c.1668delG).
Protein change: p.Arg557fs; shifts the reading frame from arginine 557.
Molecular consequence: frameshift variant.
Genome position (GRCh38, 1-based): chr1:942,673, G deleted; the last of 2 consecutive G bases (chr1:942,672-942,673); deleting either gives the same sequence. VCF-style (leftmost placement, unchanged base first): chr1-942671-CG-C. GRCh37 (hg19) VCF-style: chr1-878051-CG-C.
Other names: c.1671del, p.Arg558fs (NM_001385640.1); c.1179del, p.Arg394fs (NM_152486.4); short protein forms R557fs, R558fs, R394fs.
Identifiers: ClinVar variation 2179760 (VCV002179760.2), dbSNP rs1257524197, ClinGen allele CA520630482.